The following is an entry in ClinVar:

ClinVar aggregate classification (germline): Pathogenic (1 of 4 stars; one submission).

Conditions:
Intellectual developmental disorder, X-linked 1. Also called: Atkin Flaitz Patil Smith syndrome; MENTAL RETARDATION, X-LINKED 18; MENTAL RETARDATION, X-LINKED 78; Intellectual disability, X-linked 1. Identifiers: Orphanet 777, MedGen C2931498, MONDO:0010656, OMIM 309530.

Submission:

Labcorp Genetics (formerly Invitae), Labcorp
Classification: Pathogenic for Intellectual developmental disorder, X-linked 1. Last evaluated: 2022-06-30. Review status: criteria provided, single submitter. Criteria: Invitae Variant Classification Sherloc (09022015). Collection method: clinical testing. Allele origin: germline.
Comment: For these reasons, this variant has been classified as Pathogenic. This variant has not been reported in the literature in individuals affected with IQSEC2-related conditions. This variant is not present in population databases (gnomAD no frequency). This sequence change creates a premature translational stop signal (p.Gln526*) in the IQSEC2 gene. It is expected to result in an absent or disrupted protein product. Loss-of-function variants in IQSEC2 are known to be pathogenic (PMID: 21686261, 26793055, 27665735).

Literature cited by the submitters: PubMed 21686261; PubMed 26793055; PubMed 27665735.

NM_001111125.3(IQSEC2):c.1576C>T (p.Gln526Ter)

Gene: IQSEC2 (IQ motif and Sec7 domain ArfGEF 2; minus strand). Cytogenetic location: Xp11.22.
Variant type: single nucleotide variant.
Coding change: c.1576C>T on transcript NM_001111125.3 (MANE Select); coding-DNA position 1576, C replaced by T.
Protein change: p.Gln526Ter; replaces glutamine 526 with a stop codon.
Molecular consequence: nonsense.
Genome position (GRCh38, 1-based): chrX:53,251,000, G>A on the plus strand (C>T on the coding strand, the complement: IQSEC2 is on the minus strand). VCF-style: chrX-53251000-G-A. GRCh37 (hg19) VCF-style: chrX-53280182-G-A.
Other names: c.1576C>T, p.Gln526Ter (NM_001410736.1); c.961C>T, p.Gln321Ter (NM_015075.2); short protein forms Q321*, Q526*.
Identifiers: ClinVar variation 2012555 (VCV002012555.4), dbSNP rs2519808934, ClinGen allele CA413165350.